The following is an entry in ClinVar:

ClinVar aggregate classification (germline): Uncertain significance. Review status: criteria provided, multiple submitters, no conflicts (2 of 4 stars). 2 submissions from 2 submitters: Uncertain significance (2). Last evaluated 2025-03-28.

Conditions:
Inborn genetic diseases. Identifiers: MedGen C0950123, MeSH D030342.
Fanconi anemia (FA). Also called: Fanconi's anemia. Identifiers: Orphanet 84, MedGen C0015625, MeSH D005199, MONDO:0019391.

Submissions (2):

Ambry Genetics
Classification: Uncertain significance for Inborn genetic diseases. Last evaluated: 2025-03-28. Review status: criteria provided, single submitter. Criteria: Ambry Variant Classification Scheme 2023. Collection method: clinical testing. Allele origin: germline.
Comment: The p.L1029S variant (also known as c.3086T>C), located in coding exon 14 of the FANCM gene, results from a T to C substitution at nucleotide position 3086. The leucine at codon 1029 is replaced by serine, an amino acid with dissimilar properties. This amino acid position is conserved. In addition, this alteration is predicted to be tolerated by in silico analysis. Based on the available evidence, the clinical significance of this variant remains unclear.

Labcorp Genetics (formerly Invitae), Labcorp
Classification: Uncertain significance for Fanconi anemia. Last evaluated: 2024-10-28. Review status: criteria provided, single submitter. Criteria: Invitae Variant Classification Sherloc (09022015). Collection method: clinical testing. Allele origin: germline.
Comment: This sequence change replaces leucine, which is neutral and non-polar, with serine, which is neutral and polar, at codon 1029 of the FANCM protein (p.Leu1029Ser). This variant is not present in population databases (gnomAD no frequency). This variant has not been reported in the literature in individuals affected with FANCM-related conditions. An algorithm developed to predict the effect of missense changes on protein structure and function outputs the following: PolyPhen-2: "Benign". The serine amino acid residue is found in multiple mammalian species, which suggests that this missense change does not adversely affect protein function. In summary, the available evidence is currently insufficient to determine the role of this variant in disease. Therefore, it has been classified as a Variant of Uncertain Significance.

NM_020937.4(FANCM):c.3086T>C (p.Leu1029Ser)

Gene: FANCM (FA complementation group M; plus strand). Cytogenetic location: 14q21.2.
Variant type: single nucleotide variant.
Coding change: c.3086T>C on transcript NM_020937.4 (MANE Select); coding-DNA position 3086, T replaced by C.
Protein change: p.Leu1029Ser; replaces leucine 1029 with serine.
Molecular consequence: missense variant.
Genome position (GRCh38, 1-based): chr14:45,175,840, T>C. VCF-style: chr14-45175840-T-C. GRCh37 (hg19) VCF-style: chr14-45645043-T-C.
Other names: c.3008T>C, p.Leu1003Ser (NM_001308133.2); short protein forms L1029S, L1003S.
Identifiers: ClinVar variation 3685050 (VCV003685050.3).